The following is an entry in ClinVar:

NM_005157.6(ABL1):c.1736C>T (p.Pro579Leu)

Gene: ABL1 (ABL proto-oncogene 1, non-receptor tyrosine kinase; plus strand). Cytogenetic location: 9q34.12.
Variant type: single nucleotide variant.
Coding change: c.1736C>T on transcript NM_005157.6 (MANE Select); coding-DNA position 1736, C replaced by T.
Protein change: p.Pro579Leu; replaces proline 579 with leucine.
Molecular consequence: missense variant.
Genome position (GRCh38, 1-based): chr9:130,884,026, C>T. VCF-style: chr9-130884026-C-T. GRCh37 (hg19) VCF-style: chr9-133759413-C-T.
Other names: c.1793C>T, p.Pro598Leu (NM_007313.3); short protein forms P579L, P598L.
Identifiers: ClinVar variation 133436 (VCV000133436.3), dbSNP rs587778013, ClinGen allele CA156518.
Genomic context (GRCh38, chr9:130,884,026, plus strand): 5'-CAGATCCTCTGGACCATGAGCCTGCCGTGTCTCCATTGCTCCCTCGAAAAGAGCGAGGTC[C>T]CCCGGAGGGCGGCCTGAATGAAGATGAGCGCCTTCTCCCCAAAGACAAAAAGACCAACTT-3'
Protein context (NP_005148.2, residues 569-589): SPLLPRKERG[Pro579Leu]PEGGLNEDER

ClinVar aggregate classification (germline): Uncertain significance. Review status: criteria provided, single submitter (1 of 4 stars). 2 submissions from 2 submitters: Uncertain significance (1). 1 of the submissions does not count toward it. Last evaluated 2024-09-15.

Allele frequency attached by ClinVar (database versions not stated): TOPMed below 0.00001; gnomAD 0.00001.
gnomAD v4.1: 2 of 1,613,756 alleles (0.00012%); highest among the groups gnomAD compares: Non-Finnish European, 0.000085%; no homozygotes.

Submissions (2):

Labcorp Genetics (formerly Invitae), Labcorp
Classification: Uncertain significance. Last evaluated: 2024-09-15. Review status: criteria provided, single submitter. Criteria: Invitae Variant Classification Sherloc (09022015). Collection method: clinical testing. Allele origin: germline.
Comment: This sequence change replaces proline, which is neutral and non-polar, with leucine, which is neutral and non-polar, at codon 598 of the ABL1 protein (p.Pro598Leu). This variant is not present in population databases (gnomAD no frequency). This variant has not been reported in the literature in individuals affected with ABL1-related conditions. ClinVar contains an entry for this variant (Variation ID: 133436). Invitae Evidence Modeling of protein sequence and biophysical properties (such as structural, functional, and spatial information, amino acid conservation, physicochemical variation, residue mobility, and thermodynamic stability) indicates that this missense variant is not expected to disrupt ABL1 protein function with a negative predictive value of 95%. In summary, the available evidence is currently insufficient to determine the role of this variant in disease. Therefore, it has been classified as a Variant of Uncertain Significance.

ITMI
No classification provided. Condition: AllHighlyPenetrant. Last evaluated: 2013-09-19. Review status: no classification provided. Collection method: reference population. Allele origin: germline. Not counted in ClinVar's aggregate classification.
Comment: Please see associated publication for description of ethnicities

Literature cited by the submitters: PubMed 24728327 (cited by ITMI).